The following is an entry in ClinVar:

NM_000535.7(PMS2):c.1746A>G (p.Glu582=)

Gene: PMS2 (PMS1 homolog 2, mismatch repair system component; minus strand). Cytogenetic location: 7p22.1.
Variant type: single nucleotide variant.
Coding change: c.1746A>G on transcript NM_000535.7 (MANE Select); coding-DNA position 1746, A replaced by G.
Protein change: p.Glu582=; no amino-acid change (glutamic acid 582 retained).
Molecular consequence: synonymous variant. On other transcripts: non-coding transcript variant (1), intron variant (1).
Genome position (GRCh38, 1-based): chr7:5,987,019, T>C on the plus strand (A>G on the coding strand, the complement: PMS2 is on the minus strand). VCF-style: chr7-5987019-T-C. GRCh37 (hg19) VCF-style: chr7-6026650-T-C.
Other names: c.1341A>G, p.Glu447= (NM_001018040.1, NM_001322003.2, NM_001322004.2 and 17 more transcripts); c.1590A>G, p.Glu530= (NM_001322006.2, NM_001406870.1); c.1428A>G, p.Glu476= (NM_001322007.2, NM_001322008.2, NM_001406876.1 and 2 more transcripts); c.1185A>G, p.Glu395= (NM_001322010.2, NM_001406906.1, NM_001406907.1); c.813A>G, p.Glu271= (NM_001322011.2, NM_001322012.2); c.1173A>G, p.Glu391= (NM_001322013.2, NM_001406909.1); c.1746A>G, p.Glu582= (NM_001322014.2, NM_001406871.1, NM_001406872.1); c.1437A>G, p.Glu479= (NM_001322015.2, NM_001406875.1, NM_001406877.1 and 5 more transcripts); and 13 more.
Identifiers: ClinVar variation 1779294 (VCV001779294.3), dbSNP rs2128724196, ClinGen allele CA453746076.

ClinVar aggregate classification (germline): Benign/Likely benign. Review status: criteria provided, multiple submitters, no conflicts (2 of 4 stars). 2 submissions from 2 submitters: Benign (1); Likely benign (1). Last evaluated 2025-01-31.

Conditions:
Hereditary cancer-predisposing syndrome. Also called: Neoplastic Syndromes, Hereditary; Tumor predisposition; Hereditary Cancer Syndrome; Hereditary neoplastic syndrome. Identifiers: Orphanet 140162, MedGen C0027672, MeSH D009386, MONDO:0015356.
Lynch syndrome 4 (LYNCH4). Also called: Colorectal cancer, hereditary nonpolyposis, type 4; Hereditary non-polyposis colorectal cancer, type 4. Identifiers: Orphanet 144, MedGen C1838333, MONDO:0013699, OMIM 614337. Disease mechanism: loss of function.

Submissions (2):

Myriad Genetics, Inc.
Classification: Benign for Lynch syndrome 4. Last evaluated: 2025-01-31. Review status: criteria provided, single submitter. Criteria: Myriad Autosomal Dominant, Autosomal Recessive and X-Linked Classification Criteria (2023). Collection method: clinical testing. Allele origin: unknown.
Comment: This variant is considered benign. This variant is a silent/synonymous amino acid change and it is not expected to impact splicing.

Ambry Genetics
Classification: Likely benign for Hereditary cancer-predisposing syndrome. Last evaluated: 2021-09-28. Review status: criteria provided, single submitter. Criteria: Ambry Variant Classification Scheme 2023. Collection method: clinical testing. Allele origin: germline.